The following is an entry in ClinVar:

ClinVar aggregate classification (germline): Uncertain significance (1 of 4 stars; one submission).

Allele frequency attached by ClinVar (database versions not stated): gnomAD exomes below 0.00001; TOPMed below 0.00001.
gnomAD v4.1: 1 of 1,608,982 alleles (0.000062%); highest among the groups gnomAD compares: Admixed American, 0.0017%; no homozygotes.

Submission:

Labcorp Genetics (formerly Invitae), Labcorp
Classification: Uncertain significance. Last evaluated: 2025-03-31. Review status: criteria provided, single submitter. Criteria: Invitae Variant Classification Sherloc (09022015). Collection method: clinical testing. Allele origin: germline.
Comment: This sequence change replaces glycine, which is neutral and non-polar, with alanine, which is neutral and non-polar, at codon 109 of the OCA2 protein (p.Gly109Ala). This variant also falls at the last nucleotide of exon 3, which is part of the consensus splice site for this exon. This variant is present in population databases (no rsID available, gnomAD 0.003%). This variant has not been reported in the literature in individuals affected with OCA2-related conditions. ClinVar contains an entry for this variant (Variation ID: 1916002). An algorithm developed to predict the effect of missense changes on protein structure and function (PolyPhen-2) suggests that this variant is likely to be tolerated. Variants that disrupt the consensus splice site are a relatively common cause of aberrant splicing (PMID: 17576681, 9536098). Algorithms developed to predict the effect of sequence changes on RNA splicing suggest that this variant may disrupt the consensus splice site. In summary, the available evidence is currently insufficient to determine the role of this variant in disease. Therefore, it has been classified as a Variant of Uncertain Significance.

Literature cited by the submitters: PubMed 17576681; PubMed 9536098.

NM_000275.3(OCA2):c.326G>C (p.Gly109Ala)

Gene: OCA2 (OCA2 melanosomal transmembrane protein; minus strand). Cytogenetic location: 15q13.1.
Variant type: single nucleotide variant.
Coding change: c.326G>C on transcript NM_000275.3 (MANE Select); coding-DNA position 326, G replaced by C.
Protein change: p.Gly109Ala; replaces glycine 109 with alanine.
Molecular consequence: missense variant.
Genome position (GRCh38, 1-based): chr15:28,032,065, C>G on the plus strand (G>C on the coding strand, the complement: OCA2 is on the minus strand). VCF-style: chr15-28032065-C-G. GRCh37 (hg19) VCF-style: chr15-28277211-C-G.
Other names: c.326G>C, p.Gly109Ala (NM_001300984.2); short protein forms G109A.
Identifiers: ClinVar variation 1916002 (VCV001916002.4), dbSNP rs1352327430, ClinGen allele CA391362866.
Genomic context (GRCh38, chr15:28,032,065, plus strand): 5'-TACATGCCAGGTGCAATGCTCAGAAACTCTTACTTTCATATGAGGGGGAAAATATCTCAC[C>G]CTTTCTCCTGTAAGGAATTCCTCAGCAAAGGAGTGTTTTCTGTAAAGCAGGAATCTTTAG-3'
Protein context (NP_000266.2, residues 99-119): PLLRNSLQEK[Gly109Ala]SRCIPVYHPE